The following is an entry in ClinVar:

NM_032305.3(POLR3GL):c.2T>C (p.Met1Thr)

Gene: POLR3GL (RNA polymerase III subunit GL; plus strand). Cytogenetic location: 1q21.1.
Variant type: single nucleotide variant.
Coding change: c.2T>C on transcript NM_032305.3 (MANE Select); coding-DNA position 2, T replaced by C.
Protein change: p.Met1Thr; changes the start codon (methionine 1).
Molecular consequence: missense variant, initiator codon variant.
Genome position (GRCh38, 1-based): chr1:145,974,867, T>C. VCF-style: chr1-145974867-T-C. GRCh37 (hg19) VCF-style: chr1-145460221-A-G.
Other names: c.2T>C, p.Met1Thr (NM_001330685.2); short protein forms M1T.
Identifiers: ClinVar variation 2682551 (VCV002682551.1), dbSNP rs2101939629, ClinGen allele CA342126457.

ClinVar aggregate classification (germline): Uncertain significance (1 of 4 stars; one submission).

Allele frequency attached by ClinVar (database versions not stated): gnomAD exomes below 0.00001.

Submission:

Women's Health and Genetics/Laboratory Corporation of America, LabCorp
Classification: Uncertain significance. Last evaluated: 2023-11-15. Review status: criteria provided, single submitter. Criteria: LabCorp Variant Classification Summary - May 2015. Collection method: clinical testing. Allele origin: germline.
Comment: Variant summary: POLR3GL c.2T>C (p.Met1Thr) alters the initiation codon and is predicted to result either in absence of the protein or truncation of the encoded protein due to translation initiation at a downstream codon. Two of three in-silico tools predict a damaging effect of the variant on protein function. The next in-frame ATG (Met) is located in codon 71 (exon 3). No pathogenic variants upstream of the closest potential new in-frame start site have been reported in HGMD or ClinVar. In addition, loss-of-function has not clearly been established as the disease mechanism for this gene. The variant was absent in 158096 control chromosomes. The available data on variant occurrences in the general population are insufficient to allow any conclusion about variant significance. To our knowledge, no occurrence of c.2T>C in individuals affected with Short Stature, Oligodontia, Dysmorphic Facies, And Motor Delay and no experimental evidence demonstrating its impact on protein function have been reported. No submitters have cited clinical-significance assessments for this variant to ClinVar after 2014. Based on the evidence outlined above, the variant was classified as uncertain significance.